The following is an entry in ClinVar:

NM_001355436.2(SPTB):c.474+1G>T

Gene: SPTB (spectrin beta, erythrocytic; minus strand). Cytogenetic location: 14q23.3.
Variant type: single nucleotide variant.
Coding change: c.474+1G>T on transcript NM_001355436.2 (MANE Select); the canonical splice donor site of the intron after coding-DNA position 474, G replaced by T.
Molecular consequence: splice donor variant.
Genome position (GRCh38, 1-based): chr14:64,803,606, C>A on the plus strand (G>T on the coding strand, the complement: SPTB is on the minus strand). VCF-style: chr14-64803606-C-A. GRCh37 (hg19) VCF-style: chr14-65270324-C-A.
Other names: c.474+1G>T (NM_001024858.4, NM_001355437.2).
Identifiers: ClinVar variation 3767086 (VCV003767086.3).

ClinVar aggregate classification (germline): Pathogenic/Likely pathogenic. Review status: criteria provided, multiple submitters, no conflicts (2 of 4 stars). 3 submissions from 3 submitters: Pathogenic (1); Likely pathogenic (2). Last evaluated 2025-02-23.

Submissions (3):

Labcorp Genetics (formerly Invitae), Labcorp
Classification: Likely pathogenic. Last evaluated: 2025-02-23. Review status: criteria provided, single submitter. Criteria: Invitae Variant Classification Sherloc (09022015). Collection method: clinical testing. Allele origin: germline.
Comment: This sequence change affects a donor splice site in intron 3 of the SPTB gene. It is expected to disrupt RNA splicing. Variants that disrupt the donor or acceptor splice site typically lead to a loss of protein function (PMID: 16199547), and loss-of-function variants in SPTB are known to be pathogenic (PMID: 1391962, 1498324, 8844207, 26830532, 27292444). This variant is not present in population databases (gnomAD no frequency). This variant has not been reported in the literature in individuals affected with SPTB-related conditions. Algorithms developed to predict the effect of sequence changes on RNA splicing suggest that this variant may disrupt the consensus splice site. In summary, the currently available evidence indicates that the variant is pathogenic, but additional data are needed to prove that conclusively. Therefore, this variant has been classified as Likely Pathogenic.

Revvity Omics, Revvity
Classification: Likely pathogenic. Last evaluated: 2024-12-04. Review status: criteria provided, single submitter. Criteria: ACMG Guidelines, 2015. Collection method: clinical testing. Allele origin: germline.

ARUP Laboratories, Molecular Genetics and Genomics, ARUP Laboratories
Classification: Pathogenic. Last evaluated: 2024-02-02. Review status: criteria provided, single submitter. Criteria: ARUP Molecular Germline Variant Investigation Process 2024. Collection method: clinical testing. Allele origin: germline.
Comment: The SPTB c.474+1G>T variant, to our knowledge, is not reported in the medical literature but is reported in ClinVar (Variation ID: 1705517). This variant is absent from the Genome Aggregation Database (v2.1.1), indicating it is not a common polymorphism. This variant disrupts the canonical splice donor site of intron 4, which is likely to negatively impact gene function. Based on available information, this variant is considered to be pathogenic.

Literature cited by the submitters: PubMed 16199547 (cited by Labcorp Genetics (formerly Invitae), Labcorp); PubMed 1391962 (cited by Labcorp Genetics (formerly Invitae), Labcorp); PubMed 1498324 (cited by Labcorp Genetics (formerly Invitae), Labcorp); PubMed 8844207 (cited by Labcorp Genetics (formerly Invitae), Labcorp); PubMed 26830532 (cited by Labcorp Genetics (formerly Invitae), Labcorp); PubMed 27292444 (cited by Labcorp Genetics (formerly Invitae), Labcorp).